The following is an entry in ClinVar:

ClinVar aggregate classification (germline): Pathogenic. Review status: criteria provided, multiple submitters, no conflicts (2 of 4 stars). 3 submissions from 3 submitters: Pathogenic (3). Last evaluated 2023-08-02.

Conditions:
Early-infantile DEE. Also called: Early infantile epileptic encephalopathy; Early infantile epileptic encephalopathy with suppression bursts; Ohtahara syndrome. Identifiers: Orphanet 1934, MedGen C0393706, MONDO:0800491.
SCN1A-related disorder. Also called: SCN1A-related conditions; SCN1A-related condition; SCN1A-related disorders.

Submissions (3):

Blueprint Genetics
Classification: Pathogenic for SCN1A-related disorders. Last evaluated: 2023-08-02. Review status: criteria provided, single submitter. Criteria: ACMG Guidelines, 2015. Collection method: clinical testing. Allele origin: germline. Affected: yes. Observed: 1 variant allele.

GeneDx
Classification: Pathogenic. Last evaluated: 2019-01-17. Review status: criteria provided, single submitter. Criteria: GeneDx Variant Classification (06012015). Collection method: clinical testing. Allele origin: germline. Affected: yes.
Comment: The c.1511_1515delGAAAA pathogenic variant in the SCN1A gene has been reported previously in an individual with Dravet syndrome, however parental studies were not performed (Villeneuve et al.; 2014). The c.1511_1515delGAAAA causes a frameshift starting with codon Arginine 504, changes this amino acid to a Threonine residue and creates a premature Stop codon at position 12 of the new reading frame, denoted p.Arg504ThrfsX12. This pathogenic variant is predicted to cause loss of normal protein function either through protein truncation or nonsense-mediated mRNA decay. The c.1511_1515delGAAAA variant is not observed in large population cohorts (Lek et al., 2016). Therefore, the presence of c.1511_1515delGAAAA is consistent with the diagnosis of an SCN1A-related disorder inthis individual.

Labcorp Genetics (formerly Invitae), Labcorp
Classification: Pathogenic for Early-infantile DEE. Last evaluated: 2017-05-06. Review status: criteria provided, single submitter. Criteria: Invitae Variant Classification Sherloc (09022015). Collection method: clinical testing. Allele origin: germline.
Comment: For these reasons, this variant has been classified as Pathogenic. While this particular variant has not been reported in the literature, loss-of-function variants in SCN1A are known to be pathogenic (PMID: 17347258, 18930999). This sequence change deletes 5 nucleotides from exon 10 of the SCN1A mRNA (c.1511_1515delGAAAA), causing a frameshift at codon 504. This creates a premature translational stop signal (p.Arg504Thrfs*12) and is expected to result in an absent or disrupted protein product.

Literature cited by the submitters: PubMed 17347258 (cited by Labcorp Genetics (formerly Invitae), Labcorp); PubMed 18930999 (cited by Labcorp Genetics (formerly Invitae), Labcorp).

NM_001165963.4(SCN1A):c.1511_1515del (p.Arg504fs)

Gene: SCN1A (sodium voltage-gated channel alpha subunit 1; minus strand). Cytogenetic location: 2q24.3.
Variant type: Microsatellite.
Coding change: c.1511_1515del on transcript NM_001165963.4 (MANE Select); coding-DNA positions 1511 to 1515, 5 bases deleted (GAAAA; older notation c.1511_1515delGAAAA).
Protein change: p.Arg504fs; shifts the reading frame from arginine 504.
Molecular consequence: frameshift variant. On other transcripts: 5 prime UTR variant (1), non-coding transcript variant (1).
Genome position (GRCh38, 1-based): chr2:166,045,190-166,045,194, TTTTC deleted on the plus strand (GAAAA on the coding strand, the reverse complement: SCN1A is on the minus strand); deleting any 5 consecutive bases within chr2:166,045,190-166,045,201 gives the same sequence; the c. name uses the placement nearest the transcript's 3' end. VCF-style (leftmost placement, unchanged base first): chr2-166045189-GTTTTC-G. GRCh37 (hg19) VCF-style: chr2-166901699-GTTTTC-G.
Other names: c.1511_1515del, p.Arg504fs (NM_001165964.3, NM_001202435.3, NM_001353948.2 and 7 more transcripts); c.1508_1512del, p.Arg503fs (NM_001353954.2, NM_001353955.2, NM_001353960.2); c.-920GAAAA[1] (NM_001353961.2); short protein forms R503fs, R504fs.
Identifiers: ClinVar variation 461242 (VCV000461242.9), dbSNP rs1553545660, ClinGen allele CA658657112.